The following is an entry in ClinVar:

ClinVar aggregate classification (germline): Uncertain significance (1 of 4 stars; one submission).

Allele frequency attached by ClinVar (database versions not stated): gnomAD exomes below 0.00001.

Submission:

Labcorp Genetics (formerly Invitae), Labcorp
Classification: Uncertain significance. Last evaluated: 2024-02-17. Review status: criteria provided, single submitter. Criteria: Invitae Variant Classification Sherloc (09022015). Collection method: clinical testing. Allele origin: germline.
Comment: This sequence change replaces glycine, which is neutral and non-polar, with arginine, which is basic and polar, at codon 244 of the PRKCSH protein (p.Gly244Arg). The frequency data for this variant in the population databases is considered unreliable, as metrics indicate poor data quality at this position in the gnomAD database. This variant has not been reported in the literature in individuals affected with PRKCSH-related conditions. ClinVar contains an entry for this variant (Variation ID: 1469077). An algorithm developed to predict the effect of missense changes on protein structure and function (PolyPhen-2) suggests that this variant is likely to be disruptive. In summary, the available evidence is currently insufficient to determine the role of this variant in disease. Therefore, it has been classified as a Variant of Uncertain Significance.

NM_001289104.2(PRKCSH):c.730G>A (p.Gly244Arg)

Gene: PRKCSH (PRKCSH beta subunit of glucosidase II; plus strand). Cytogenetic location: 19p13.2.
Variant type: single nucleotide variant.
Coding change: c.730G>A on transcript NM_001289104.2 (MANE Select); coding-DNA position 730, G replaced by A.
Protein change: p.Gly244Arg; replaces glycine 244 with arginine.
Molecular consequence: missense variant.
Genome position (GRCh38, 1-based): chr19:11,446,318, G>A. VCF-style: chr19-11446318-G-A. GRCh37 (hg19) VCF-style: chr19-11557133-G-A.
Other names: c.730G>A, p.Gly244Arg (NM_001001329.3, NM_001289102.2, NM_001289103.2 and 3 more transcripts); short protein forms G244R.
Identifiers: ClinVar variation 1469077 (VCV001469077.6), dbSNP rs762328328, ClinGen allele CA9212956.